The following is an entry in ClinVar:

NM_001374828.1(ARID1B):c.1534A>C (p.Met512Leu)

Gene: ARID1B (AT-rich interaction domain 1B; plus strand). Cytogenetic location: 6q25.3.
Variant type: single nucleotide variant.
Coding change: c.1534A>C on transcript NM_001374828.1 (MANE Select); coding-DNA position 1534, A replaced by C.
Protein change: p.Met512Leu; replaces methionine 512 with leucine.
Molecular consequence: missense variant.
Genome position (GRCh38, 1-based): chr6:156,779,214, A>C. VCF-style: chr6-156779214-A-C. GRCh37 (hg19) VCF-style: chr6-157100348-A-C.
Other names: c.1534A>C, p.Met512Leu (NM_001371656.1, NM_001374820.1, NM_001438482.1 and 9 more transcripts); short protein forms M512L.
Identifiers: ClinVar variation 4761467 (VCV004761467.1).

ClinVar aggregate classification (germline): Uncertain significance (1 of 4 stars; one submission).

Submission:

Labcorp Genetics (formerly Invitae), Labcorp
Classification: Uncertain significance. Last evaluated: 2025-03-10. Review status: criteria provided, single submitter. Criteria: Invitae Variant Classification Sherloc (09022015). Collection method: clinical testing. Allele origin: germline.
Comment: This sequence change replaces methionine, which is neutral and non-polar, with leucine, which is neutral and non-polar, at codon 429 of the ARID1B protein (p.Met429Leu). This variant is not present in population databases (gnomAD no frequency). This variant has not been reported in the literature in individuals affected with ARID1B-related conditions. Invitae Evidence Modeling of protein sequence and biophysical properties (such as structural, functional, and spatial information, amino acid conservation, physicochemical variation, residue mobility, and thermodynamic stability) indicates that this missense variant is not expected to disrupt ARID1B protein function with a negative predictive value of 95%. In summary, the available evidence is currently insufficient to determine the role of this variant in disease. Therefore, it has been classified as a Variant of Uncertain Significance.